The following is an entry in ClinVar:

ClinVar aggregate classification (germline): Likely pathogenic. Review status: criteria provided, multiple submitters, no conflicts (2 of 4 stars). 2 submissions from 2 submitters: Likely pathogenic (2). Last evaluated 2022-10-30.

Conditions:
SAG-related disorder. Also called: SAG-related disorders; SAG-related condition.

Allele frequency attached by ClinVar (database versions not stated): TOPMed below 0.00001; gnomAD 0.00001.
gnomAD v4.1: 1 of 1,610,902 alleles (0.000062%); highest among the groups gnomAD compares: African/African-American, 0.0013%; no homozygotes.

Submissions (2):

Labcorp Genetics (formerly Invitae), Labcorp
Classification: Likely pathogenic. Last evaluated: 2022-10-30. Review status: criteria provided, single submitter. Criteria: Invitae Variant Classification Sherloc (09022015). Collection method: clinical testing. Allele origin: germline.
Comment: In summary, the currently available evidence indicates that the variant is pathogenic, but additional data are needed to prove that conclusively. Therefore, this variant has been classified as Likely Pathogenic. Algorithms developed to predict the effect of sequence changes on RNA splicing suggest that this variant may disrupt the consensus splice site. This variant has not been reported in the literature in individuals affected with SAG-related conditions. This variant is not present in population databases (gnomAD no frequency). This sequence change affects an acceptor splice site in intron 12 of the SAG gene. It is expected to disrupt RNA splicing. Variants that disrupt the donor or acceptor splice site typically lead to a loss of protein function (PMID: 16199547), and loss-of-function variants in SAG are known to be pathogenic (PMID: 9452120, 15234147, 22665972).

Blueprint Genetics
Classification: Likely pathogenic for SAG-related disorders. Last evaluated: 2022-04-04. Review status: criteria provided, single submitter. Criteria: ACMG Guidelines, 2015. Collection method: clinical testing. Allele origin: germline. Affected: yes. Observed: 1 variant allele.

Literature cited by the submitters: PubMed 16199547 (cited by Labcorp Genetics (formerly Invitae), Labcorp); PubMed 9452120 (cited by Labcorp Genetics (formerly Invitae), Labcorp); PubMed 15234147 (cited by Labcorp Genetics (formerly Invitae), Labcorp); PubMed 22665972 (cited by Labcorp Genetics (formerly Invitae), Labcorp).

NM_000541.5(SAG):c.1023-2A>G

Gene: SAG (S-antigen visual arrestin; plus strand). Cytogenetic location: 2q37.1.
Variant type: single nucleotide variant.
Coding change: c.1023-2A>G on transcript NM_000541.5 (MANE Select); the canonical splice acceptor site of the intron before coding-DNA position 1023, A replaced by G.
Molecular consequence: splice acceptor variant.
Genome position (GRCh38, 1-based): chr2:233,340,453, A>G. VCF-style: chr2-233340453-A-G. GRCh37 (hg19) VCF-style: chr2-234249099-A-G.
Identifiers: ClinVar variation 2919810 (VCV002919810.4), dbSNP rs1701063284, ClinGen allele CA351049308.
Genomic context (GRCh38, chr2:233,340,453, plus strand): 5'-ATGGGAAAGGGTCGTGTTACCACTGTGACAGTTAACGACAGGCGTTTGTTTGTGTTTTCT[A>G]GCTTTCTGGGAGAGCTCACCTCCAGGTAAGCCTGTTCACCTTCCTTGTTTGATTGTTTCT-3'